The following is an entry in ClinVar:

NM_014629.4(ARHGEF10):c.1085C>G (p.Ser362Cys)

Gene: ARHGEF10 (Rho guanine nucleotide exchange factor 10; plus strand). Cytogenetic location: 8p23.3.
Variant type: single nucleotide variant.
Coding change: c.1085C>G on transcript NM_014629.4 (MANE Select); coding-DNA position 1085, C replaced by G.
Protein change: p.Ser362Cys; replaces serine 362 with cysteine.
Molecular consequence: missense variant.
Genome position (GRCh38, 1-based): chr8:1,885,610, C>G. VCF-style: chr8-1885610-C-G. GRCh37 (hg19) VCF-style: chr8-1833776-C-G.
Other names: c.971C>G, p.Ser324Cys (NM_001308152.2); c.1088C>G, p.Ser363Cys (NM_001308153.3); short protein forms S387C, S324C, S362C, S363C.
Identifiers: ClinVar variation 2962502 (VCV002962502.3), dbSNP rs1009548807, ClinGen allele CA170595457.

ClinVar aggregate classification (germline): Uncertain significance (1 of 4 stars; one submission).

Allele frequency attached by ClinVar (database versions not stated): gnomAD exomes below 0.00001.
gnomAD v4.1: 5 of 1,612,358 alleles (0.00031%); highest among the groups gnomAD compares: Middle Eastern, 0.033%; no homozygotes.

Submission:

Labcorp Genetics (formerly Invitae), Labcorp
Classification: Uncertain significance. Last evaluated: 2024-01-23. Review status: criteria provided, single submitter. Criteria: Invitae Variant Classification Sherloc (09022015). Collection method: clinical testing. Allele origin: germline.
Comment: This sequence change replaces serine, which is neutral and polar, with cysteine, which is neutral and slightly polar, at codon 362 of the ARHGEF10 protein (p.Ser362Cys). This variant is not present in population databases (gnomAD no frequency). This variant has not been reported in the literature in individuals affected with ARHGEF10-related conditions. An algorithm developed to predict the effect of missense changes on protein structure and function (PolyPhen-2) suggests that this variant is likely to be tolerated. In summary, the available evidence is currently insufficient to determine the role of this variant in disease. Therefore, it has been classified as a Variant of Uncertain Significance.